The following is an entry in ClinVar:

NM_001371596.2(MFSD8):c.572C>T (p.Thr191Ile)

Gene: MFSD8 (major facilitator superfamily domain containing 8; minus strand). Cytogenetic location: 4q28.2.
Variant type: single nucleotide variant.
Coding change: c.572C>T on transcript NM_001371596.2 (MANE Select); coding-DNA position 572, C replaced by T.
Protein change: p.Thr191Ile; replaces threonine 191 with isoleucine.
Molecular consequence: missense variant. On other transcripts: intron variant (5).
Genome position (GRCh38, 1-based): chr4:127,939,979, G>A on the plus strand (C>T on the coding strand, the complement: MFSD8 is on the minus strand). VCF-style: chr4-127939979-G-A. GRCh37 (hg19) VCF-style: chr4-128861134-G-A.
Other names: c.437C>T, p.Thr146Ile (NM_001371590.2); c.572C>T, p.Thr191Ile (NM_001371591.2, NM_152778.4); c.578C>T, p.Thr193Ile (NM_001371592.2); c.458C>T, p.Thr153Ile (NM_001371593.2, NM_001410766.1); c.419-1143C>T (NM_001371595.1); c.304+3773C>T (NM_001410765.1); c.439+3773C>T (NM_001363521.3); c.553+2066C>T (NM_001363520.3); and 1 more; short protein forms T153I, T191I, T146I, T193I.
Identifiers: ClinVar variation 2049160 (VCV002049160.2), dbSNP rs2546138889, ClinGen allele CA358175566.
Genomic context (GRCh38, chr4:127,939,979, plus strand): 5'-GTATACATGTTTATCTGCAGTTTAATCACATCCCATGTCACACCTTTTTCTCCAAGGAAT[G>A]TAAAACAAGTCTGAAAAACTTATTAAGATAAAATTTTCACAGATGAATTATTATATGAGA-3'
Protein context (NP_001358525.1, residues 181-201): ILGPVFQTCF[Thr191Ile]FLGEKGVTWD

ClinVar aggregate classification (germline): Uncertain significance (1 of 4 stars; one submission).

Conditions:
Neuronal ceroid lipofuscinosis 7 (CLN7). Also called: MFSD8-Related Neuronal Ceroid-Lipofuscinosis. Identifiers: Orphanet 168491, Orphanet 228366, MedGen C1838571, MONDO:0012588, OMIM 610951.

Allele frequency attached by ClinVar (database versions not stated): gnomAD exomes below 0.00001.
gnomAD v4.1: 2 of 1,613,210 alleles (0.00012%); highest among the groups gnomAD compares: Non-Finnish European, 0.00017%; no homozygotes.

Submission:

Labcorp Genetics (formerly Invitae), Labcorp
Classification: Uncertain significance for Neuronal ceroid lipofuscinosis 7. Last evaluated: 2025-02-17. Review status: criteria provided, single submitter. Criteria: Invitae Variant Classification Sherloc (09022015). Collection method: clinical testing. Allele origin: germline.
Comment: This sequence change replaces threonine, which is neutral and polar, with isoleucine, which is neutral and non-polar, at codon 191 of the MFSD8 protein (p.Thr191Ile). This variant is not present in population databases (gnomAD no frequency). This variant has not been reported in the literature in individuals affected with MFSD8-related conditions. ClinVar contains an entry for this variant (Variation ID: 2049160). Invitae Evidence Modeling of protein sequence and biophysical properties (such as structural, functional, and spatial information, amino acid conservation, physicochemical variation, residue mobility, and thermodynamic stability) indicates that this missense variant is not expected to disrupt MFSD8 protein function with a negative predictive value of 80%. In summary, the available evidence is currently insufficient to determine the role of this variant in disease. Therefore, it has been classified as a Variant of Uncertain Significance.